The following is an entry in ClinVar:

NM_177438.3(DICER1):c.5388A>C (p.Glu1796Asp)

Gene: DICER1 (dicer 1, ribonuclease III; minus strand). Cytogenetic location: 14q32.13.
Variant type: single nucleotide variant.
Coding change: c.5388A>C on transcript NM_177438.3 (MANE Select); coding-DNA position 5388, A replaced by C.
Protein change: p.Glu1796Asp; replaces glutamic acid 1796 with aspartic acid.
Molecular consequence: missense variant. On other transcripts: non-coding transcript variant (6), intron variant (1).
Genome position (GRCh38, 1-based): chr14:95,091,342, T>G on the plus strand (A>C on the coding strand, the complement: DICER1 is on the minus strand). VCF-style: chr14-95091342-T-G. GRCh37 (hg19) VCF-style: chr14-95557679-T-G.
Other names: c.5388A>C, p.Glu1796Asp (NM_001271282.3, NM_001291628.2, NM_001395677.1 and 8 more transcripts); c.5106A>C, p.Glu1702Asp (NM_001395686.1); c.4983A>C, p.Glu1661Asp (NM_001395687.1, NM_001395688.1, NM_001395689.1 and 1 more transcripts); c.4821A>C, p.Glu1607Asp (NM_001395691.1); c.3705A>C, p.Glu1235Asp (NM_001395697.1); c.5365-233A>C (NM_001195573.1); short protein forms E1235D, E1607D, E1661D, E1702D, E1796D.
Identifiers: ClinVar variation 1715430 (VCV001715430.6), dbSNP rs756025825, ClinGen allele CA390864773.

ClinVar aggregate classification (germline): Uncertain significance (1 of 4 stars; one submission).

Conditions:
DICER1-related tumor predisposition. Also called: DICER1 syndrome; DICER1-related pleuropulmonary blastoma cancer predisposition syndrome. Identifiers: Orphanet 284343, MedGen C3839822, MONDO:0100216.

Submission:

Labcorp Genetics (formerly Invitae), Labcorp
Classification: Uncertain significance for DICER1-related tumor predisposition. Last evaluated: 2022-08-07. Review status: criteria provided, single submitter. Criteria: Invitae Variant Classification Sherloc (09022015). Collection method: clinical testing. Allele origin: germline.
Comment: In summary, the available evidence is currently insufficient to determine the role of this variant in disease. Therefore, it has been classified as a Variant of Uncertain Significance. Algorithms developed to predict the effect of missense changes on protein structure and function are either unavailable or do not agree on the potential impact of this missense change (SIFT: "Tolerated"; PolyPhen-2: "Possibly Damaging"; Align-GVGD: "Class C0"). This variant has not been reported in the literature in individuals affected with DICER1-related conditions. This variant is not present in population databases (gnomAD no frequency). This sequence change replaces glutamic acid, which is acidic and polar, with aspartic acid, which is acidic and polar, at codon 1796 of the DICER1 protein (p.Glu1796Asp).